The following is an entry in ClinVar:

ClinVar aggregate classification (germline): Uncertain significance. Review status: criteria provided, multiple submitters, no conflicts (2 of 4 stars). 3 submissions from 3 submitters: Uncertain significance (3). Last evaluated 2026-01-20.

Conditions:
PKD1L1-related disorder. Also called: PKD1L1-related condition.
Inborn genetic diseases. Identifiers: MedGen C0950123, MeSH D030342.

Allele frequency attached by ClinVar (database versions not stated): ExAC 0.00007; ESP Exome Variant Server 0.00038.
gnomAD v4.1: 90 of 1,614,194 alleles (0.0056%); highest among the groups gnomAD compares: African/African-American, 0.092%; no homozygotes.

Submissions (3):

PreventionGenetics, part of Exact Sciences
Classification: Uncertain significance for PKD1L1-related condition. Last evaluated: 2026-01-20. Review status: criteria provided, single submitter. Criteria: ACMG Guidelines, 2015. Collection method: clinical testing. Allele origin: germline.
Comment: The PKD1L1 c.1958T>G variant is predicted to result in the amino acid substitution p.Leu653Arg. To our knowledge, this variant has not been reported in the literature. This variant is reported in 0.088% of alleles in individuals of African descent in gnomAD, which is likely too common for an undocumented disease-causing variant. Although we suspect that this variant may be benign, at this time, the clinical significance of this variant is uncertain due to the absence of conclusive functional and genetic evidence.

Labcorp Genetics (formerly Invitae), Labcorp
Classification: Uncertain significance. Last evaluated: 2025-12-01. Review status: criteria provided, single submitter. Criteria: Invitae Variant Classification Sherloc (09022015). Collection method: clinical testing. Allele origin: germline.
Comment: This sequence change replaces leucine, which is neutral and non-polar, with arginine, which is basic and polar, at codon 653 of the PKD1L1 protein (p.Leu653Arg). This variant is present in population databases (rs113793570, gnomAD 0.1%). This variant has not been reported in the literature in individuals affected with PKD1L1-related conditions. ClinVar contains an entry for this variant (Variation ID: 3054412). Invitae Evidence Modeling of protein sequence and biophysical properties (such as structural, functional, and spatial information, amino acid conservation, physicochemical variation, residue mobility, and thermodynamic stability) indicates that this missense variant is not expected to disrupt PKD1L1 protein function with a negative predictive value of 80%. In summary, the available evidence is currently insufficient to determine the role of this variant in disease. Therefore, it has been classified as a Variant of Uncertain Significance.

Ambry Genetics
Classification: Uncertain significance for Inborn genetic diseases. Last evaluated: 2025-08-09. Review status: criteria provided, single submitter. Criteria: Ambry Variant Classification Scheme 2023. Collection method: clinical testing. Allele origin: germline.

NM_138295.5(PKD1L1):c.1958T>G (p.Leu653Arg)

Gene: PKD1L1 (polycystin 1 like 1, transient receptor potential channel interacting; minus strand). Cytogenetic location: 7p12.3.
Variant type: single nucleotide variant.
Coding change: c.1958T>G on transcript NM_138295.5 (MANE Select); coding-DNA position 1958, T replaced by G.
Protein change: p.Leu653Arg; replaces leucine 653 with arginine.
Molecular consequence: missense variant.
Genome position (GRCh38, 1-based): chr7:47,902,485, A>C on the plus strand (T>G on the coding strand, the complement: PKD1L1 is on the minus strand). VCF-style: chr7-47902485-A-C. GRCh37 (hg19) VCF-style: chr7-47942082-A-C.
Other names: short protein forms L653R.
Identifiers: ClinVar variation 3054412 (VCV003054412.5), dbSNP rs113793570, ClinGen allele CA4253892.